The following is an entry in ClinVar:

NM_031220.4(PITPNM3):c.1138C>T (p.Pro380Ser)

Gene: PITPNM3 (PITPNM family member 3; minus strand). Cytogenetic location: 17p13.2.
Variant type: single nucleotide variant.
Coding change: c.1138C>T on transcript NM_031220.4 (MANE Select); coding-DNA position 1138, C replaced by T.
Protein change: p.Pro380Ser; replaces proline 380 with serine.
Molecular consequence: missense variant.
Genome position (GRCh38, 1-based): chr17:6,474,552, G>A on the plus strand (C>T on the coding strand, the complement: PITPNM3 is on the minus strand). VCF-style: chr17-6474552-G-A. GRCh37 (hg19) VCF-style: chr17-6377872-G-A.
Other names: c.1030C>T, p.Pro344Ser (NM_001165966.2); short protein forms P344S, P380S.
Identifiers: ClinVar variation 2814706 (VCV002814706.3), dbSNP rs1359785758, ClinGen allele CA397406915.

ClinVar aggregate classification (germline): Uncertain significance (1 of 4 stars; one submission).

gnomAD v4.1: 4 of 1,601,666 alleles (0.00025%); highest among the groups gnomAD compares: Admixed American, 0.0069%; no homozygotes.

Submission:

Labcorp Genetics (formerly Invitae), Labcorp
Classification: Uncertain significance. Last evaluated: 2023-08-30. Review status: criteria provided, single submitter. Criteria: Invitae Variant Classification Sherloc (09022015). Collection method: clinical testing. Allele origin: germline.
Comment: This variant is present in population databases (no rsID available, gnomAD 0.01%). In summary, the available evidence is currently insufficient to determine the role of this variant in disease. Therefore, it has been classified as a Variant of Uncertain Significance. Algorithms developed to predict the effect of missense changes on protein structure and function output the following: SIFT: "Not Available"; PolyPhen-2: "Benign"; Align-GVGD: "Not Available". The serine amino acid residue is found in multiple mammalian species, which suggests that this missense change does not adversely affect protein function. This variant has not been reported in the literature in individuals affected with PITPNM3-related conditions. This sequence change replaces proline, which is neutral and non-polar, with serine, which is neutral and polar, at codon 380 of the PITPNM3 protein (p.Pro380Ser).